The following is an entry in ClinVar:

ClinVar aggregate classification (germline): Pathogenic (1 of 4 stars; one submission).

Submission:

CeGaT Center for Human Genetics Tuebingen
Classification: Pathogenic. Last evaluated: 2024-01-01. Review status: criteria provided, single submitter. Criteria: CeGaT Center For Human Genetics Tuebingen Variant Classification Criteria Version 2. Collection method: clinical testing. Allele origin: germline. Affected: yes. Observed: 1 variant allele.
Comment: SPEN: PS2, PVS1:Strong, PM2

NM_015001.3(SPEN):c.3541C>T (p.Gln1181Ter)

Gene: SPEN (spen family transcriptional repressor; plus strand). Cytogenetic location: 1p36.13.
Variant type: single nucleotide variant.
Coding change: c.3541C>T on transcript NM_015001.3 (MANE Select); coding-DNA position 3541, C replaced by T.
Protein change: p.Gln1181Ter; replaces glutamine 1181 with a stop codon.
Molecular consequence: nonsense.
Genome position (GRCh38, 1-based): chr1:15,929,781, C>T. VCF-style: chr1-15929781-C-T. GRCh37 (hg19) VCF-style: chr1-16256276-C-T.
Other names: short protein forms Q1181*.
Identifiers: ClinVar variation 3026939 (VCV003026939.22), dbSNP rs1458311779, ClinGen allele CA338608373.